The following is an entry in ClinVar:

ClinVar aggregate classification (germline): Pathogenic (1 of 4 stars; one submission).

Conditions:
Aicardi-Goutieres syndrome 4. Identifiers: Orphanet 51, MedGen C1835912, MONDO:0012472, OMIM 610333.

Submission:

Labcorp Genetics (formerly Invitae), Labcorp
Classification: Pathogenic for Aicardi-Goutieres syndrome 4. Last evaluated: 2023-09-08. Review status: criteria provided, single submitter. Criteria: Invitae Variant Classification Sherloc (09022015). Collection method: clinical testing. Allele origin: germline.
Comment: For these reasons, this variant has been classified as Pathogenic. This variant has not been reported in the literature in individuals affected with RNASEH2A-related conditions. This variant is not present in population databases (gnomAD no frequency). This sequence change creates a premature translational stop signal (p.Leu54Cysfs*10) in the RNASEH2A gene. It is expected to result in an absent or disrupted protein product. Loss-of-function variants in RNASEH2A are known to be pathogenic (PMID: 21454563, 25274781).

Literature cited by the submitters: PubMed 21454563; PubMed 25274781.

NM_006397.3(RNASEH2A):c.160del (p.Leu54fs)

Gene: RNASEH2A (ribonuclease H2 subunit A; plus strand). Cytogenetic location: 19p13.13.
Variant type: Deletion.
Coding change: c.160del on transcript NM_006397.3 (MANE Select); coding-DNA position 160, one base deleted (C; older notation c.160delC).
Protein change: p.Leu54fs; shifts the reading frame from leucine 54.
Molecular consequence: frameshift variant.
Genome position (GRCh38, 1-based): chr19:12,807,040, C deleted; the last of 4 consecutive C bases (chr19:12,807,037-12,807,040); deleting any one gives the same sequence. VCF-style (leftmost placement, unchanged base first): chr19-12807036-TC-T. GRCh37 (hg19) VCF-style: chr19-12917850-TC-T.
Other names: short protein forms L54fs.
Identifiers: ClinVar variation 2905764 (VCV002905764.3), dbSNP rs1425723325, ClinGen allele CA783419225.